The following is an entry in ClinVar:

ClinVar aggregate classification (germline): Benign. Review status: criteria provided, multiple submitters, no conflicts (2 of 4 stars). 7 submissions from 7 submitters: Benign (7). Last evaluated 2026-02-04.

Allele frequency attached by ClinVar (database versions not stated): 1000 Genomes Project 0.02316; 1000 Genomes Project 30x 0.02514; ExAC 0.03048; gnomAD exomes 0.03050 and 0.03530; TOPMed 0.03349; gnomAD 0.03387 and 0.03464; ESP Exome Variant Server 0.03408.
gnomAD v4.1: 56,753 of 1,611,076 alleles (3.5%); highest among the groups gnomAD compares: Middle Eastern, 6.8%; 1,206 homozygotes.

Submissions (7):

Labcorp Genetics (formerly Invitae), Labcorp
Classification: Benign. Last evaluated: 2026-02-04. Review status: criteria provided, single submitter. Criteria: Invitae Variant Classification Sherloc (09022015). Collection method: clinical testing. Allele origin: germline.

Mayo Clinic Laboratories, Mayo Clinic
Classification: Benign. Last evaluated: 2021-04-28. Review status: criteria provided, single submitter. Criteria: ACMG Guidelines, 2015. Collection method: clinical testing. Allele origin: germline. Observed: 13 variant alleles.

Athena Diagnostics
Classification: Benign. Last evaluated: 2018-12-31. Review status: criteria provided, single submitter. Criteria: Athena Diagnostics Criteria. Collection method: clinical testing. Allele origin: germline.

GeneDx
Classification: Benign. Last evaluated: 2017-10-13. Review status: criteria provided, single submitter. Criteria: GeneDx Variant Classification (06012015). Collection method: clinical testing. Allele origin: germline. Affected: yes.
Comment: This variant is considered likely benign or benign based on one or more of the following criteria: it is a conservative change, it occurs at a poorly conserved position in the protein, it is predicted to be benign by multiple in silico algorithms, and/or has population frequency not consistent with disease.

Laboratory for Molecular Medicine, Mass General Brigham Personalized Medicine
Classification: Benign. Last evaluated: 2012-05-07. Review status: criteria provided, single submitter. Criteria: LMM Criteria. Collection method: clinical testing. Allele origin: germline. Observed: 117 variant alleles.
Comment: "Arg205Arg in Exon 07 of OTOA: This variant is not expected to have clinical sig nificance because it does not alter an amino acid residue, is not located within the splice consensus sequence, and has been identified in 3.7% (263/7020) of Eu ropean American chromosomes from a broad population by the NHLBI Exome Sequencin g Project (dbSNP rs16972658)."

Breakthrough Genomics
Classification: Benign. Review status: criteria provided, single submitter. Criteria: ACMG Guidelines, 2015. Collection method: not provided. Allele origin: germline. Inheritance: Autosomal recessive inheritance. Affected: yes.

PreventionGenetics, part of Exact Sciences
Classification: Benign. Review status: criteria provided, single submitter. Criteria: ACMG Guidelines, 2015. Collection method: clinical testing. Allele origin: germline.

NM_144672.4(OTOA):c.615C>T (p.Arg205=)

Gene: OTOA (otoancorin). Cytogenetic location: 16p12.2.
Variant type: single nucleotide variant.
Coding change: c.615C>T on transcript NM_144672.4 (MANE Select); coding-DNA position 615, C replaced by T.
Protein change: p.Arg205=; no amino-acid change (arginine 205 retained).
Molecular consequence: synonymous variant.
Genome position (GRCh38, 1-based): chr16:21,687,628, C>T. VCF-style: chr16-21687628-C-T. GRCh37 (hg19) VCF-style: chr16-21698949-C-T.
Other names: p.Arg205=; c.378C>T, p.Arg126= (NM_001161683.2).
Identifiers: ClinVar variation 47955 (VCV000047955.16), dbSNP rs16972658, ClinGen allele CA142252.